The following is an entry in ClinVar:

NM_000260.4(MYO7A):c.1801_1802insTCGTCCCCCCAGGG (p.Ala601fs)

Gene: MYO7A (myosin VIIA; plus strand). Cytogenetic location: 11q13.5.
Variant type: Microsatellite.
Coding change: c.1801_1802insTCGTCCCCCCAGGG on transcript NM_000260.4 (MANE Select); coding-DNA positions 1801 to 1802, TCGTCCCCCCAGGG inserted.
Protein change: p.Ala601fs; shifts the reading frame from alanine 601.
Molecular consequence: frameshift variant.
Genome position: GRCh38 VCF-style: chr11-77172750-C-CGTCGTCCCCCCAGG. GRCh37 (hg19) VCF-style: chr11-76883796-C-CGTCGTCCCCCCAGG.
Other names: c.1801_1802insTCGTCCCCCCAGGG, p.Ala601fs (NM_001127180.2); c.1768_1769insTCGTCCCCCCAGGG, p.Ala590fs (NM_001369365.1); short protein forms A590fs, A601fs.
Identifiers: ClinVar variation 4818016 (VCV004818016.1).

ClinVar aggregate classification (germline): Likely pathogenic (1 of 4 stars; one submission).

Conditions:
Usher syndrome type 1B (USH1B). Also called: Usher syndrome type IB. Identifiers: MedGen C1848638, MONDO:0700087.

Submission:

Natera, Inc.
Classification: Likely pathogenic for Usher syndrome type 1B. Last evaluated: 2024-06-18. Review status: criteria provided, single submitter. Criteria: Natera Variant Classification Schema (03/2026). Collection method: clinical testing. Allele origin: germline.
Comment: The c.1801_1802insTCGTCCCCCCAGGG variant in MYO7A is a frameshift variant predicted to shift the reading frame beginning at codon 601 and leads to a stop codon 26 codons downstream. This variant is expected to result in nonsense mediated decay, truncation, or a dysfunctional protein product. This variant is rare in the general population with a frequency below the threshold expected for the associated phenotype(s). Given the available evidence, this variant is classified as Likely Pathogenic.